The following is an entry in ClinVar:

NM_007118.4(TRIO):c.4363G>A (p.Glu1455Lys)

Gene: TRIO (trio Rho guanine nucleotide exchange factor; plus strand). Cytogenetic location: 5p15.2.
Variant type: single nucleotide variant.
Coding change: c.4363G>A on transcript NM_007118.4 (MANE Select); coding-DNA position 4363, G replaced by A.
Protein change: p.Glu1455Lys; replaces glutamic acid 1455 with lysine.
Molecular consequence: missense variant. On other transcripts: non-coding transcript variant (1).
Genome position (GRCh38, 1-based): chr5:14,397,094, G>A. VCF-style: chr5-14397094-G-A. GRCh37 (hg19) VCF-style: chr5-14397203-G-A.
Other names: short protein forms E1455K.
Identifiers: ClinVar variation 2575014 (VCV002575014.2), dbSNP rs2532946666, ClinGen allele CA359233614.

ClinVar aggregate classification (germline): Uncertain significance (1 of 4 stars; one submission).

Submission:

GeneDx
Classification: Uncertain significance. Last evaluated: 2023-09-25. Review status: criteria provided, single submitter. Criteria: GeneDx Variant Classification Process June 2021. Collection method: clinical testing. Allele origin: germline. Affected: yes.
Comment: Not observed at significant frequency in large population cohorts (gnomAD); In silico analysis supports that this missense variant has a deleterious effect on protein structure/function; Has not been previously published as pathogenic or benign to our knowledge